The following is an entry in ClinVar:

NM_001367873.1(SOX6):c.2144G>A (p.Arg715Lys)

Gene: SOX6 (SRY-box transcription factor 6; minus strand). Cytogenetic location: 11p15.2.
Variant type: single nucleotide variant.
Coding change: c.2144G>A on transcript NM_001367873.1 (MANE Select); coding-DNA position 2144, G replaced by A.
Protein change: p.Arg715Lys; replaces arginine 715 with lysine.
Molecular consequence: missense variant.
Genome position (GRCh38, 1-based): chr11:15,986,243, C>T on the plus strand (G>A on the coding strand, the complement: SOX6 is on the minus strand). VCF-style: chr11-15986243-C-T. GRCh37 (hg19) VCF-style: chr11-16007789-C-T.
Other names: c.2063G>A, p.Arg688Lys (NM_001145811.2, NM_017508.3); c.2144G>A, p.Arg715Lys (NM_001145819.2); c.2021G>A, p.Arg674Lys (NM_001367872.1); c.2084G>A, p.Arg695Lys (NM_033326.3); short protein forms R688K, R715K, R674K, R695K.
Identifiers: ClinVar variation 2337594 (VCV002337594.3), dbSNP rs778146973, ClinGen allele CA5897970.
Genomic context (GRCh38, chr11:15,986,243, plus strand): 5'-GCTAAATTCAGGAATACTTACCCCACAGTAAAGAACTGCCTCATCTCCTGTCTCCGAGAC[C>T]TCATCAGTTGCTTATACTCCCCAATCCGAAGCTTTTTGCCATCAACAATGCAGGTGCGTT-3'
Protein context (NP_001354802.1, residues 705-725): LRIGEYKQLM[Arg715Lys]SRRQEMRQFF

ClinVar aggregate classification (germline): Uncertain significance (1 of 4 stars; one submission).

Conditions:
Inborn genetic diseases. Identifiers: MedGen C0950123, MeSH D030342.

Allele frequency attached by ClinVar (database versions not stated): gnomAD 0.00001; gnomAD exomes 0.00001; TOPMed 0.00001; ExAC 0.00002.
gnomAD v4.1: 10 of 1,614,014 alleles (0.00062%); highest among the groups gnomAD compares: Non-Finnish European, 0.00085%; no homozygotes.

Submission:

Ambry Genetics
Classification: Uncertain significance for Inborn genetic diseases. Last evaluated: 2023-01-05. Review status: criteria provided, single submitter. Criteria: Ambry Variant Classification Scheme 2023. Collection method: clinical testing. Allele origin: germline.
Comment: The c.2084G>A (p.R695K) alteration is located in exon 15 (coding exon 14) of the SOX6 gene. This alteration results from a G to A substitution at nucleotide position 2084, causing the arginine (R) at amino acid position 695 to be replaced by a lysine (K). Based on data from gnomAD, the A allele has an overall frequency of 0.001% (3/282862) total alleles studied. The highest observed frequency was 0.002% (3/129164) of European (non-Finnish) alleles. This amino acid position is highly conserved in available vertebrate species. This alteration is predicted to be tolerated by in silico analysis. Based on insufficient or conflicting evidence, the clinical significance of this alteration remains unclear.